The following is an entry in ClinVar:

ClinVar aggregate classification (germline): Likely pathogenic (1 of 4 stars; one submission).

Submission:

Labcorp Genetics (formerly Invitae), Labcorp
Classification: Likely pathogenic. Last evaluated: 2025-03-27. Review status: criteria provided, single submitter. Criteria: Invitae Variant Classification Sherloc (09022015). Collection method: clinical testing. Allele origin: germline.
Comment: This sequence change affects a donor splice site in intron 12 of the ARHGEF18 gene. It is expected to disrupt RNA splicing. Variants that disrupt the donor or acceptor splice site typically lead to a loss of protein function (PMID: 16199547), and loss-of-function variants in ARHGEF18 are known to be pathogenic (PMID: 28132693). This variant is not present in population databases (gnomAD no frequency). This variant has not been reported in the literature in individuals affected with ARHGEF18-related conditions. Algorithms developed to predict the effect of sequence changes on RNA splicing suggest that this variant may disrupt the consensus splice site. In summary, the currently available evidence indicates that the variant is pathogenic, but additional data are needed to prove that conclusively. Therefore, this variant has been classified as Likely Pathogenic.

Literature cited by the submitters: PubMed 16199547; PubMed 28132693.

NM_001367823.1(ARHGEF18):c.2773+1G>A

Gene: ARHGEF18 (Rho/Rac guanine nucleotide exchange factor 18; plus strand). Cytogenetic location: 19p13.2.
Variant type: single nucleotide variant.
Coding change: c.2773+1G>A on transcript NM_001367823.1 (MANE Select); the canonical splice donor site of the intron after coding-DNA position 2773, G replaced by A.
Molecular consequence: splice donor variant.
Genome position (GRCh38, 1-based): chr19:7,463,956, G>A. VCF-style: chr19-7463956-G-A. GRCh37 (hg19) VCF-style: chr19-7528842-G-A.
Other names: c.1735+1G>A (NM_001367824.1, NM_015318.4); c.2047+1G>A (NM_001130955.2).
Identifiers: ClinVar variation 4715643 (VCV004715643.1).